The following is an entry in ClinVar:

ClinVar aggregate classification (germline): Uncertain significance. Review status: criteria provided, multiple submitters, no conflicts (2 of 4 stars). 3 submissions from 3 submitters: Uncertain significance (3). Last evaluated 2025-08-02.

Conditions:
Cardiovascular phenotype. Identifiers: MedGen CN230736.
Dilated cardiomyopathy 1JJ (CMD1JJ). Identifiers: Orphanet 154, MedGen C3808935, MONDO:0014095, OMIM 615235.

Allele frequency attached by ClinVar (database versions not stated): ExAC 0.00001; gnomAD 0.00001; gnomAD exomes 0.00001; TOPMed 0.00004.
gnomAD v4.1: 11 of 1,613,558 alleles (0.00068%); highest among the groups gnomAD compares: Admixed American, 0.01%; no homozygotes.

Submissions (3):

Ambry Genetics
Classification: Uncertain significance for Cardiovascular phenotype. Last evaluated: 2025-08-02. Review status: criteria provided, single submitter. Criteria: Ambry Variant Classification Scheme 2023. Collection method: clinical testing. Allele origin: germline.

Labcorp Genetics (formerly Invitae), Labcorp
Classification: Uncertain significance for Dilated cardiomyopathy 1JJ. Last evaluated: 2024-12-02. Review status: criteria provided, single submitter. Criteria: Invitae Variant Classification Sherloc (09022015). Collection method: clinical testing. Allele origin: germline.
Comment: This sequence change replaces histidine, which is basic and polar, with leucine, which is neutral and non-polar, at codon 1682 of the LAMA4 protein (p.His1682Leu). This variant is present in population databases (rs782019927, gnomAD 0.01%). This variant has not been reported in the literature in individuals affected with LAMA4-related conditions. ClinVar contains an entry for this variant (Variation ID: 2184809). Invitae Evidence Modeling of protein sequence and biophysical properties (such as structural, functional, and spatial information, amino acid conservation, physicochemical variation, residue mobility, and thermodynamic stability) indicates that this missense variant is expected to disrupt LAMA4 protein function with a positive predictive value of 80%. In summary, the available evidence is currently insufficient to determine the role of this variant in disease. Therefore, it has been classified as a Variant of Uncertain Significance.

Women's Health and Genetics/Laboratory Corporation of America, LabCorp
Classification: Uncertain significance. Last evaluated: 2024-01-08. Review status: criteria provided, single submitter. Criteria: LabCorp Variant Classification Summary - May 2015. Collection method: clinical testing. Allele origin: germline.

NM_001105206.3(LAMA4):c.5066A>T (p.His1689Leu)

Gene: LAMA4 (laminin subunit alpha 4; minus strand). Cytogenetic location: 6q21.
Variant type: single nucleotide variant.
Coding change: c.5066A>T on transcript NM_001105206.3 (MANE Select); coding-DNA position 5066, A replaced by T.
Protein change: p.His1689Leu; replaces histidine 1689 with leucine.
Molecular consequence: missense variant.
Genome position (GRCh38, 1-based): chr6:112,115,909, T>A on the plus strand (A>T on the coding strand, the complement: LAMA4 is on the minus strand). VCF-style: chr6-112115909-T-A. GRCh37 (hg19) VCF-style: chr6-112437112-T-A.
Other names: c.5045A>T, p.His1682Leu (NM_001105207.3, NM_002290.5); short protein forms H1682L, H1689L.
Identifiers: ClinVar variation 2184809 (VCV002184809.7), dbSNP rs782019927, ClinGen allele CA3964828.
Genomic context (GRCh38, chr6:112,115,909, plus strand): 5'-TTTTCAGACACTACCTGTCCATTTTTCATGTGAACATTTAGGTACTCCCCATTGACACTG[T>A]GGCCGTGGACCAGGGTTCCGGAACTGCTTCTGGGACGGACTTCAAATGCAATTTCAAACT-3'
Protein context (NP_001098676.2, residues 1679-1699): RSSSGTLVHG[His1689Leu]SVNGEYLNVH